The following is an entry in ClinVar:

NM_001204.7(BMPR2):c.1979A>C (p.Glu660Ala)

Gene: BMPR2 (bone morphogenetic protein receptor type 2; plus strand). Cytogenetic location: 2q33.2.
Variant type: single nucleotide variant.
Coding change: c.1979A>C on transcript NM_001204.7 (MANE Select); coding-DNA position 1979, A replaced by C.
Protein change: p.Glu660Ala; replaces glutamic acid 660 with alanine.
Molecular consequence: missense variant.
Genome position (GRCh38, 1-based): chr2:202,555,644, A>C. VCF-style: chr2-202555644-A-C. GRCh37 (hg19) VCF-style: chr2-203420367-A-C.
Other names: short protein forms E660A.
Identifiers: ClinVar variation 3992207 (VCV003992207.1).
Genomic context (GRCh38, chr2:202,555,644, plus strand): 5'-TGCATACCACAAATGTTGCACAGTCAATTGGGCCAACCCCTGTCTGCTTACAGCTGACAG[A>C]AGAAGACTTGGAAACCAACAAGCTAGACCCAAAAGAAGTTGATAAGAACCTCAAGGAAAG-3'
Protein context (NP_001195.2, residues 650-670): GPTPVCLQLT[Glu660Ala]EDLETNKLDP

ClinVar aggregate classification (germline): Uncertain significance (1 of 4 stars; one submission).

Conditions:
Inborn genetic diseases. Identifiers: MedGen C0950123, MeSH D030342.

gnomAD v4.1: 4 of 1,614,188 alleles (0.00025%); highest among the groups gnomAD compares: Non-Finnish European, 0.00034%; no homozygotes.

Submission:

Ambry Genetics
Classification: Uncertain significance for Inborn genetic diseases. Last evaluated: 2025-05-29. Review status: criteria provided, single submitter. Criteria: Ambry Variant Classification Scheme 2023. Collection method: clinical testing. Allele origin: germline.
Comment: The p.E660A variant (also known as c.1979A>C), located in coding exon 12 of the BMPR2 gene, results from an A to C substitution at nucleotide position 1979. The glutamic acid at codon 660 is replaced by alanine, an amino acid with dissimilar properties. This amino acid position is conserved. In addition, the in silico prediction for this alteration is inconclusive. Based on the available evidence, the clinical significance of this variant remains unclear.